The following is an entry in ClinVar:

NM_144999.4(LRRC45):c.1324C>T (p.Arg442Cys)

Gene: LRRC45 (leucine rich repeat containing 45; plus strand). Cytogenetic location: 17q25.3.
Variant type: single nucleotide variant.
Coding change: c.1324C>T on transcript NM_144999.4 (MANE Select); coding-DNA position 1324, C replaced by T.
Protein change: p.Arg442Cys; replaces arginine 442 with cysteine.
Molecular consequence: missense variant.
Genome position (GRCh38, 1-based): chr17:82,029,108, C>T. VCF-style: chr17-82029108-C-T. GRCh37 (hg19) VCF-style: chr17-79986984-C-T.
Other names: c.1324C>T (NM_144999.3); short protein forms R442C.
Identifiers: ClinVar variation 3120728 (VCV003120728.2), dbSNP rs951234669, ClinGen allele CA295135958.

ClinVar aggregate classification (germline): Uncertain significance. Review status: criteria provided, multiple submitters, no conflicts (2 of 4 stars). 2 submissions from 2 submitters: Uncertain significance (2). Last evaluated 2025-12-11.

Conditions:
LRRC45-related disorder. Also called: LRRC45-related condition.

Allele frequency attached by ClinVar (database versions not stated): TOPMed 0.00002; gnomAD 0.00003; gnomAD exomes 0.00003.
gnomAD v4.1: 41 of 1,612,458 alleles (0.0025%); highest among the groups gnomAD compares: Admixed American, 0.0033%; no homozygotes.

Submissions (2):

PreventionGenetics, part of Exact Sciences
Classification: Uncertain significance for LRRC45-related condition. Last evaluated: 2025-12-11. Review status: criteria provided, single submitter. Criteria: ACMG Guidelines, 2015. Collection method: clinical testing. Allele origin: germline.
Comment: The LRRC45 c.1324C>T variant is predicted to result in the amino acid substitution p.Arg442Cys. To our knowledge, this variant has not been reported in the literature. This variant is reported in 0.0050% of alleles in individuals of East Asian descent in gnomAD. At this time, the clinical significance of this variant is uncertain due to the absence of conclusive functional and genetic evidence.

Ambry Genetics
Classification: Uncertain significance. Last evaluated: 2021-08-16. Review status: criteria provided, single submitter. Criteria: Ambry Variant Classification Scheme 2023. Collection method: clinical testing. Allele origin: germline.